The following continues an entry in ClinVar:

NM_001371623.1(TCOF1):c.3604-3C>T

Gene: TCOF1. ClinVar aggregate classification (germline): Benign/Likely benign. Benign (4); Likely benign (1).

Submissions 69 to 86 of 86:

Dr. Peter K. Rogan Lab, Western University
No classification provided (evidence only). Condition: Familial pancreatic carcinoma. Review status: no classification provided. Collection method: in vitro. Allele origin: not applicable. Functional consequence: retained intron. Not counted in ClinVar's aggregate classification.

Dr. Peter K. Rogan Lab, Western University
No classification provided (evidence only). Condition: Familial pancreatic carcinoma. Review status: no classification provided. Collection method: in vitro. Allele origin: not applicable. Functional consequence: retained intron. Not counted in ClinVar's aggregate classification.

Dr. Peter K. Rogan Lab, Western University
No classification provided (evidence only). Condition: Familial pancreatic carcinoma. Review status: no classification provided. Collection method: in vitro. Allele origin: not applicable. Functional consequence: retained intron. Not counted in ClinVar's aggregate classification.

Dr. Peter K. Rogan Lab, Western University
No classification provided (evidence only). Condition: Familial pancreatic carcinoma. Review status: no classification provided. Collection method: in vitro. Allele origin: not applicable. Functional consequence: retained intron. Not counted in ClinVar's aggregate classification.

Dr. Peter K. Rogan Lab, Western University
No classification provided (evidence only). Condition: Familial pancreatic carcinoma. Review status: no classification provided. Collection method: in vitro. Allele origin: not applicable. Functional consequence: retained intron. Not counted in ClinVar's aggregate classification.

Dr. Peter K. Rogan Lab, Western University
No classification provided (evidence only). Condition: Familial pancreatic carcinoma. Review status: no classification provided. Collection method: in vitro. Allele origin: not applicable. Functional consequence: retained intron. Not counted in ClinVar's aggregate classification.

Dr. Peter K. Rogan Lab, Western University
No classification provided (evidence only). Condition: Hepatocellular carcinoma. Review status: no classification provided. Collection method: in vitro. Allele origin: not applicable. Functional consequence: retained intron. Not counted in ClinVar's aggregate classification.

Dr. Peter K. Rogan Lab, Western University
No classification provided (evidence only). Condition: Lymphoma. Review status: no classification provided. Collection method: in vitro. Allele origin: not applicable. Functional consequence: retained intron. Not counted in ClinVar's aggregate classification.

Dr. Peter K. Rogan Lab, Western University
No classification provided (evidence only). Condition: Lymphoma. Review status: no classification provided. Collection method: in vitro. Allele origin: not applicable. Functional consequence: retained intron. Not counted in ClinVar's aggregate classification.

Dr. Peter K. Rogan Lab, Western University
No classification provided (evidence only). Condition: Lymphoma. Review status: no classification provided. Collection method: in vitro. Allele origin: not applicable. Functional consequence: retained intron. Not counted in ClinVar's aggregate classification.

Dr. Peter K. Rogan Lab, Western University
No classification provided (evidence only). Condition: Lymphoma. Review status: no classification provided. Collection method: in vitro. Allele origin: not applicable. Functional consequence: retained intron. Not counted in ClinVar's aggregate classification.

Dr. Peter K. Rogan Lab, Western University
No classification provided (evidence only). Condition: Lymphoma. Review status: no classification provided. Collection method: in vitro. Allele origin: not applicable. Functional consequence: retained intron. Not counted in ClinVar's aggregate classification.

Dr. Peter K. Rogan Lab, Western University
No classification provided (evidence only). Condition: Ovarian cancer. Review status: no classification provided. Collection method: in vitro. Allele origin: not applicable. Functional consequence: retained intron. Not counted in ClinVar's aggregate classification.

Dr. Peter K. Rogan Lab, Western University
No classification provided (evidence only). Condition: Ovarian cancer. Review status: no classification provided. Collection method: in vitro. Allele origin: not applicable. Functional consequence: retained intron. Not counted in ClinVar's aggregate classification.

Dr. Peter K. Rogan Lab, Western University
No classification provided (evidence only). Condition: Ovarian cancer. Review status: no classification provided. Collection method: in vitro. Allele origin: not applicable. Functional consequence: retained intron. Not counted in ClinVar's aggregate classification.

Dr. Peter K. Rogan Lab, Western University
No classification provided (evidence only). Condition: Ovarian cancer. Review status: no classification provided. Collection method: in vitro. Allele origin: not applicable. Functional consequence: retained intron. Not counted in ClinVar's aggregate classification.

Dr. Peter K. Rogan Lab, Western University
No classification provided (evidence only). Condition: Ovarian cancer. Review status: no classification provided. Collection method: in vitro. Allele origin: not applicable. Functional consequence: retained intron. Not counted in ClinVar's aggregate classification.

Genetic Services Laboratory, University of Chicago
Classification: Likely benign for AllHighlyPenetrant. Review status: no assertion criteria provided. Collection method: clinical testing. Allele origin: germline. Inheritance: Autosomal dominant inheritance. Not counted in ClinVar's aggregate classification.
Comment: Likely benign based on allele frequency in 1000 Genomes Project or ESP global frequency and its presence in a patient with a rare or unrelated disease phenotype. NOT Sanger confirmed.